The following is an entry in ClinVar:

ClinVar aggregate classification (germline): Likely pathogenic (1 of 4 stars; one submission).

Conditions:
Congenital myasthenic syndrome 4B. Also called: Myasthenic syndrome, congenital, 4b, fast-channel. Identifiers: Orphanet 590, MedGen C4225369, MONDO:0014586, OMIM 616324.
Congenital myasthenic syndrome 4C (CMS4C). Also called: Myasthenic syndrome, congenital, associated with acetylcholine receptor deficiency. Identifiers: Orphanet 590, MedGen C1837091, MONDO:0012157, OMIM 608931.
Congenital myasthenic syndrome 4A. Also called: CONGENITAL MYASTHENIC SYNDROME TYPE Ia1; Myasthenic syndrome, congenital, 4a, slow-channel; MYASTHENIC SYNDROME, CONGENITAL, 4A, SLOW-CHANNEL, AUTOSOMAL RECESSIVE. Identifiers: Orphanet 590, MedGen C4225413, MONDO:0011600, OMIM 605809.

Submission:

Juno Genomics, Hangzhou Juno Genomics, Inc
Classification: Likely pathogenic for Congenital myasthenic syndrome 4A; Congenital myasthenic syndrome 4B; Congenital myasthenic syndrome 4C. Review status: criteria provided, single submitter. Criteria: ACMG Guidelines, 2015. Collection method: clinical testing. Allele origin: germline.
Comment: Null variant in a gene where loss of function (LOF) is a known mechanism of disease.;Absent from controls (or at extremely low frequency if recessive) in Genome Aggregation Database.

NM_000080.4(CHRNE):c.1052del (p.Pro351fs)

Genes: CHRNE (cholinergic receptor nicotinic epsilon subunit; minus strand), LOC130060041 (ATAC-STARR-seq lymphoblastoid silent region 8050; plus strand). Cytogenetic location: 17p13.2.
Variant type: Deletion.
Coding change: c.1052del on transcript NM_000080.4 (MANE Select); coding-DNA position 1052, one base deleted (C; older notation c.1052delC).
Protein change: p.Pro351fs; shifts the reading frame from proline 351.
Molecular consequence: frameshift variant.
Genome position (GRCh38, 1-based): chr17:4,899,365, G deleted on the plus strand (C on the coding strand, the reverse complement: CHRNE is on the minus strand); the first of 2 consecutive G bases (chr17:4,899,365-4,899,366); deleting either gives the same sequence. VCF-style (leftmost placement, unchanged base first): chr17-4899364-CG-C. GRCh37 (hg19) VCF-style: chr17-4802659-CG-C.
Other names: short protein forms P351fs.
Identifiers: ClinVar variation 5005768 (VCV005005768.2).
Genomic context (GRCh38, chr17:4,899,364, plus strand): 5'-CCGCCTTGGGGGCGAGGCGGCCCGGGGGGCCTCGGGCGGCGGCGGGGAGCCCAGGAGGCG[CG>C]GCAGCAGCTCCAGGAGAACCTGGGGCAGGGGCGGGGCTTAGGGGACGAGGTTAGTACGAA-3'